The following is an entry in ClinVar:

NM_030665.4(RAI1):c.1543G>A (p.Ala515Thr)

Gene: RAI1 (retinoic acid induced 1; plus strand). Cytogenetic location: 17p11.2.
Variant type: single nucleotide variant.
Coding change: c.1543G>A on transcript NM_030665.4 (MANE Select); coding-DNA position 1543, G replaced by A.
Protein change: p.Ala515Thr; replaces alanine 515 with threonine.
Molecular consequence: missense variant.
Genome position (GRCh38, 1-based): chr17:17,794,491, G>A. VCF-style: chr17-17794491-G-A. GRCh37 (hg19) VCF-style: chr17-17697805-G-A.
Other names: short protein forms A515T.
Identifiers: ClinVar variation 3345663 (VCV003345663.1).

ClinVar aggregate classification (germline): Uncertain significance (0 of 4 stars; one submission).

Conditions:
RAI1-related disorder. Also called: RAI1-related condition.

gnomAD v4.1: 1 of 1,611,982 alleles (0.000062%); highest among the groups gnomAD compares: Non-Finnish European, 0.000085%; no homozygotes.

Submission:

PreventionGenetics, part of Exact Sciences
Classification: Uncertain significance for RAI1-related condition. Last evaluated: 2024-06-20. Review status: no assertion criteria provided. Collection method: clinical testing. Allele origin: germline.
Comment: The RAI1 c.1543G>A variant is predicted to result in the amino acid substitution p.Ala515Thr. To our knowledge, this variant has not been reported in the literature or in a large population database, indicating this variant is rare. At this time, the clinical significance of this variant is uncertain due to the absence of conclusive functional and genetic evidence.